The following is an entry in ClinVar:

NM_001046.3(SLC12A2):c.1322T>C (p.Ile441Thr)

Gene: SLC12A2 (solute carrier family 12 member 2; plus strand). Cytogenetic location: 5q23.3.
Variant type: single nucleotide variant.
Coding change: c.1322T>C on transcript NM_001046.3 (MANE Select); coding-DNA position 1322, T replaced by C.
Protein change: p.Ile441Thr; replaces isoleucine 441 with threonine.
Molecular consequence: missense variant. On other transcripts: non-coding transcript variant (1).
Genome position (GRCh38, 1-based): chr5:128,135,722, T>C. VCF-style: chr5-128135722-T-C. GRCh37 (hg19) VCF-style: chr5-127471414-T-C.
Other names: c.1322T>C, p.Ile441Thr (NM_001256461.2); c.1322T>C (NM_001046.2); short protein forms I441T.
Identifiers: ClinVar variation 2914817 (VCV002914817.2), dbSNP rs144533824, ClinGen allele CA3393082.

ClinVar aggregate classification (germline): Uncertain significance. Review status: criteria provided, multiple submitters, no conflicts (2 of 4 stars). 2 submissions from 2 submitters: Uncertain significance (2). Last evaluated 2024-12-31.

Allele frequency attached by ClinVar (database versions not stated): gnomAD exomes 0.00001; ExAC 0.00003; gnomAD 0.00003; ESP Exome Variant Server 0.00008.
gnomAD v4.1: 12 of 1,610,448 alleles (0.00075%); highest among the groups gnomAD compares: African/African-American, 0.015%; no homozygotes.

Submissions (2):

GeneDx
Classification: Uncertain significance. Last evaluated: 2024-12-31. Review status: criteria provided, single submitter. Criteria: GeneDx Variant Classification Process June 2021. Collection method: clinical testing. Allele origin: germline. Affected: yes.
Comment: In silico analysis supports that this missense variant has a deleterious effect on protein structure/function; Has not been previously published as pathogenic or benign to our knowledge

Labcorp Genetics (formerly Invitae), Labcorp
Classification: Uncertain significance. Last evaluated: 2023-08-01. Review status: criteria provided, single submitter. Criteria: Invitae Variant Classification Sherloc (09022015). Collection method: clinical testing. Allele origin: germline.
Comment: In summary, the available evidence is currently insufficient to determine the role of this variant in disease. Therefore, it has been classified as a Variant of Uncertain Significance. Advanced modeling of protein sequence and biophysical properties (such as structural, functional, and spatial information, amino acid conservation, physicochemical variation, residue mobility, and thermodynamic stability) performed at Invitae indicates that this missense variant is not expected to disrupt SLC12A2 protein function. This variant has not been reported in the literature in individuals affected with SLC12A2-related conditions. This variant is present in population databases (rs144533824, gnomAD 0.03%). This sequence change replaces isoleucine, which is neutral and non-polar, with threonine, which is neutral and polar, at codon 441 of the SLC12A2 protein (p.Ile441Thr).